The following is an entry in ClinVar:

ClinVar aggregate classification (germline): Uncertain significance. Review status: criteria provided, multiple submitters, no conflicts (2 of 4 stars). 2 submissions from 2 submitters: Uncertain significance (2). Last evaluated 2024-03-26.

Conditions:
Combined immunodeficiency due to DOCK8 deficiency (HIES2). Also called: DOCK8 Deficiency; HIES autosomal recessive; Hyper-IgE recurrent infection syndrome, autosomal recessive; HYPER-IgE RECURRENT INFECTION SYNDROME 2, AUTOSOMAL RECESSIVE; HYPER-IgE SYNDROME 2, AUTOSOMAL RECESSIVE, WITH RECURRENT INFECTIONS. Identifiers: Orphanet 217390, MedGen C4722305, MONDO:0009478, OMIM 243700.

Allele frequency attached by ClinVar (database versions not stated): gnomAD exomes below 0.00001; ExAC 0.00001; gnomAD 0.00001; ESP Exome Variant Server 0.00008.
gnomAD v4.1: 6 of 1,608,906 alleles (0.00037%); highest among the groups gnomAD compares: Non-Finnish European, 0.00051%; no homozygotes.

Submissions (2):

Women's Health and Genetics/Laboratory Corporation of America, LabCorp
Classification: Uncertain significance. Last evaluated: 2024-03-26. Review status: criteria provided, single submitter. Criteria: LabCorp Variant Classification Summary - May 2015. Collection method: clinical testing. Allele origin: germline.
Comment: Variant summary: DOCK8 c.6020A>G (p.Tyr2007Cys) results in a non-conservative amino acid change located in the DOCKER, Lobe C domain (IPR046773) of the encoded protein sequence. Three of five in-silico tools predict a damaging effect of the variant on protein function. The variant allele was found at a frequency of 4e-06 in 250686 control chromosomes. The available data on variant occurrences in the general population are insufficient to allow any conclusion about variant significance. To our knowledge, no occurrence of c.6020A>G in individuals affected with Combined Immunodeficiency Due To DOCK8 Deficiency and no experimental evidence demonstrating its impact on protein function have been reported. ClinVar contains an entry for this variant (Variation ID: 1515455). Based on the evidence outlined above, the variant was classified as uncertain significance.

Labcorp Genetics (formerly Invitae), Labcorp
Classification: Uncertain significance for Combined immunodeficiency due to DOCK8 deficiency. Last evaluated: 2022-07-06. Review status: criteria provided, single submitter. Criteria: Invitae Variant Classification Sherloc (09022015). Collection method: clinical testing. Allele origin: germline.
Comment: ClinVar contains an entry for this variant (Variation ID: 1515455). In summary, the available evidence is currently insufficient to determine the role of this variant in disease. Therefore, it has been classified as a Variant of Uncertain Significance. Algorithms developed to predict the effect of missense changes on protein structure and function are either unavailable or do not agree on the potential impact of this missense change (SIFT: "Tolerated"; PolyPhen-2: "Probably Damaging"; Align-GVGD: "Class C0"). This variant has not been reported in the literature in individuals affected with DOCK8-related conditions. The frequency data for this variant in the population databases is considered unreliable, as metrics indicate poor data quality at this position in the gnomAD database. This sequence change replaces tyrosine, which is neutral and polar, with cysteine, which is neutral and slightly polar, at codon 2007 of the DOCK8 protein (p.Tyr2007Cys).

NM_203447.4(DOCK8):c.6020A>G (p.Tyr2007Cys)

Gene: DOCK8 (dedicator of cytokinesis 8; plus strand). Cytogenetic location: 9p24.3.
Variant type: single nucleotide variant.
Coding change: c.6020A>G on transcript NM_203447.4 (MANE Select); coding-DNA position 6020, A replaced by G.
Protein change: p.Tyr2007Cys; replaces tyrosine 2007 with cysteine.
Molecular consequence: missense variant.
Genome position (GRCh38, 1-based): chr9:452,069, A>G. VCF-style: chr9-452069-A-G. GRCh37 (hg19) VCF-style: chr9-452069-A-G.
Other names: c.5720A>G, p.Tyr1907Cys (NM_001190458.2); c.5816A>G, p.Tyr1939Cys (NM_001193536.2); short protein forms Y1907C, Y1939C, Y2007C.
Identifiers: ClinVar variation 1515455 (VCV001515455.9), dbSNP rs368000910, ClinGen allele CA4959647.